The following is an entry in ClinVar:

ClinVar aggregate classification (germline): Uncertain significance (1 of 4 stars; one submission).

Submission:

GeneDx
Classification: Uncertain significance. Last evaluated: 2025-01-03. Review status: criteria provided, single submitter. Criteria: GeneDx Variant Classification Process June 2021. Collection method: clinical testing. Allele origin: germline. Affected: yes.
Comment: Has not been previously published as pathogenic or benign to our knowledge; Not observed at significant frequency in large population cohorts (gnomAD); In silico analysis indicates that this missense variant does not alter protein structure/function

NM_001270.4(CHD1):c.524G>A (p.Cys175Tyr)

Gene: CHD1 (chromodomain helicase DNA binding protein 1; minus strand). Cytogenetic location: 5q21.1.
Variant type: single nucleotide variant.
Coding change: c.524G>A on transcript NM_001270.4 (MANE Select); coding-DNA position 524, G replaced by A.
Protein change: p.Cys175Tyr; replaces cysteine 175 with tyrosine.
Molecular consequence: missense variant. On other transcripts: non-coding transcript variant (2).
Genome position (GRCh38, 1-based): chr5:98,901,249, C>T on the plus strand (G>A on the coding strand, the complement: CHD1 is on the minus strand). VCF-style: chr5-98901249-C-T. GRCh37 (hg19) VCF-style: chr5-98236953-C-T.
Other names: c.524G>A, p.Cys175Tyr (NM_001364113.3, NM_001376194.2); short protein forms C175Y.
Identifiers: ClinVar variation 4056916 (VCV004056916.1).